The following is an entry in ClinVar:

ClinVar aggregate classification (germline): Pathogenic. Review status: criteria provided, multiple submitters, no conflicts (2 of 4 stars). 2 submissions from 2 submitters: Pathogenic (2). Last evaluated 2025-09-30.

Conditions:
Acyl-CoA dehydrogenase 9 deficiency. Also called: Acyl-CoA dehydrogenase family, member 9, deficiency of; MITOCHONDRIAL COMPLEX I DEFICIENCY, NUCLEAR TYPE 20. Identifiers: Orphanet 99901, MedGen C4747517, MONDO:0012624, OMIM 611126.

Allele frequency attached by ClinVar (database versions not stated): gnomAD exomes below 0.00001; TOPMed below 0.00001; gnomAD 0.00001.

Submissions (2):

3billion
Classification: Pathogenic for Acyl-CoA dehydrogenase 9 deficiency. Last evaluated: 2025-09-30. Review status: criteria provided, single submitter. Criteria: ACMG Guidelines, 2015. Collection method: clinical testing. Allele origin: germline. Affected: yes.
Comment: The variant is observed at an extremely low frequency in the gnomAD v4.1.0 dataset (total allele frequency: <0.001%). Predicted Consequence/Location: Stop-gained (nonsense): predicted to result in a loss or disruption of normal protein function through nonsense-mediated decay (NMD) or protein truncation. Multiple pathogenic variants are reported downstream of the variant. The variant is in trans with the other variant. The variant has been reported to be associated with ACAD9-related disorder (ClinVar ID: VCV000948204). Therefore, this variant is classified as Pathogenic according to the recommendation of ACMG/AMP guideline.

Labcorp Genetics (formerly Invitae), Labcorp
Classification: Pathogenic. Last evaluated: 2024-08-12. Review status: criteria provided, single submitter. Criteria: Invitae Variant Classification Sherloc (09022015). Collection method: clinical testing. Allele origin: germline.
Comment: This sequence change creates a premature translational stop signal (p.Trp391*) in the ACAD9 gene. It is expected to result in an absent or disrupted protein product. Loss-of-function variants in ACAD9 are known to be pathogenic (PMID: 25721401). This variant is not present in population databases (gnomAD no frequency). This variant has not been reported in the literature in individuals affected with ACAD9-related conditions. ClinVar contains an entry for this variant (Variation ID: 948204). For these reasons, this variant has been classified as Pathogenic.

Literature cited by the submitters: PubMed 25721401 (cited by Labcorp Genetics (formerly Invitae), Labcorp).

NM_014049.5(ACAD9):c.1173G>A (p.Trp391Ter)

Gene: ACAD9 (acyl-CoA dehydrogenase family member 9; plus strand). Cytogenetic location: 3q21.3.
Variant type: single nucleotide variant.
Coding change: c.1173G>A on transcript NM_014049.5 (MANE Select); coding-DNA position 1173, G replaced by A.
Protein change: p.Trp391Ter; replaces tryptophan 391 with a stop codon.
Molecular consequence: nonsense. On other transcripts: non-coding transcript variant (1).
Genome position (GRCh38, 1-based): chr3:128,906,144, G>A. VCF-style: chr3-128906144-G-A. GRCh37 (hg19) VCF-style: chr3-128624987-G-A.
Other names: short protein forms W391*.
Identifiers: ClinVar variation 948204 (VCV000948204.8), dbSNP rs1488118393, ClinGen allele CA354437063.